The following is an entry in ClinVar:

NM_181426.2(CCDC39):c.930+3A>G

Gene: CCDC39 (coiled-coil domain 39 molecular ruler complex subunit; minus strand). Cytogenetic location: 3q26.33.
Variant type: single nucleotide variant.
Coding change: c.930+3A>G on transcript NM_181426.2 (MANE Select); 3 bases into the intron after coding-DNA position 930, A replaced by G.
Molecular consequence: intron variant.
Genome position (GRCh38, 1-based): chr3:180,654,759, T>C on the plus strand (A>G on the coding strand, the complement: CCDC39 is on the minus strand). VCF-style: chr3-180654759-T-C. GRCh37 (hg19) VCF-style: chr3-180372547-T-C.
Identifiers: ClinVar variation 3769861 (VCV003769861.2).

ClinVar aggregate classification (germline): Uncertain significance. Review status: criteria provided, multiple submitters, no conflicts (2 of 4 stars). 2 submissions from 2 submitters: Uncertain significance (2). Last evaluated 2024-09-12.

gnomAD v4.1: 8 of 1,599,674 alleles (0.0005%); highest among the groups gnomAD compares: Non-Finnish European, 0.0006%; no homozygotes.

Submissions (2):

GeneDx
Classification: Uncertain significance. Last evaluated: 2024-09-12. Review status: criteria provided, single submitter. Criteria: GeneDx Variant Classification Process June 2021. Collection method: clinical testing. Allele origin: germline. Affected: yes.
Comment: Not observed at significant frequency in large population cohorts (gnomAD); In silico analysis supports a deleterious effect on splicing; Has not been previously published as pathogenic or benign to our knowledge

Blueprint Genetics
Classification: Uncertain significance. Last evaluated: 2019-08-21. Review status: criteria provided, single submitter. Criteria: ACMG Guidelines, 2015. Collection method: clinical testing. Allele origin: germline.